The following is an entry in ClinVar:

ClinVar aggregate classification (germline): Likely pathogenic (1 of 4 stars; one submission).

Conditions:
Lissencephaly due to TUBA1A mutation (CDCBM16). Also called: Lissencephaly 3; CORTICAL DYSPLASIA, COMPLEX, WITH OTHER BRAIN MALFORMATIONS 16. Identifiers: Orphanet 171680, MedGen C4305153, MONDO:0012703, OMIM 611603.

Submission:

Variantyx, Inc.
Classification: Likely pathogenic for Lissencephaly due to TUBA1A mutation. Last evaluated: 2025-04-21. Review status: criteria provided, single submitter. Criteria: Variantyx Assertion Criteria 2022. Collection method: clinical testing. Allele origin: de novo. Inheritance: Autosomal dominant inheritance. Affected: yes.
Comment: This is a nonsynonymous variant in the TUBA1A gene (OMIM: 602529). Pathogenic variants in this gene have been associated with autosomal dominant lissencephaly 3 (PMID: 17218254). Multiple computational algorithms predict a deleterious effect for this variant (REVEL score: 0.867) (PP3). The alteration is absent from control populations (PM2). Based on the current evidence, this variant is classified as likely pathogenic for autosomal dominant lissencephaly 3.

Literature cited by the submitters: PubMed 17218254.

NM_006009.4(TUBA1A):c.620A>G (p.Glu207Gly)

Gene: TUBA1A (tubulin alpha 1a; minus strand). Cytogenetic location: 12q13.12.
Variant type: single nucleotide variant.
Coding change: c.620A>G on transcript NM_006009.4 (MANE Select); coding-DNA position 620, A replaced by G.
Protein change: p.Glu207Gly; replaces glutamic acid 207 with glycine.
Molecular consequence: missense variant.
Genome position (GRCh38, 1-based): chr12:49,185,746, T>C on the plus strand (A>G on the coding strand, the complement: TUBA1A is on the minus strand). VCF-style: chr12-49185746-T-C. GRCh37 (hg19) VCF-style: chr12-49579529-T-C.
Other names: c.620A>G, p.Glu207Gly (NM_001270399.2); c.515A>G, p.Glu172Gly (NM_001270400.2); short protein forms E172G, E207G.
Identifiers: ClinVar variation 4850177 (VCV004850177.1).